The following is an entry in ClinVar:

NM_033427.3(CTTNBP2):c.2768A>G (p.Lys923Arg)

Gene: CTTNBP2 (cortactin binding protein 2; minus strand). Cytogenetic location: 7q31.31.
Variant type: single nucleotide variant.
Coding change: c.2768A>G on transcript NM_033427.3 (MANE Select); coding-DNA position 2768, A replaced by G.
Protein change: p.Lys923Arg; replaces lysine 923 with arginine.
Molecular consequence: missense variant.
Genome position (GRCh38, 1-based): chr7:117,777,521, T>C on the plus strand (A>G on the coding strand, the complement: CTTNBP2 is on the minus strand). VCF-style: chr7-117777521-T-C. GRCh37 (hg19) VCF-style: chr7-117417575-T-C.
Other names: c.2714A>G, p.Lys905Arg (NM_001363349.1); c.671A>G, p.Lys224Arg (NM_001363350.1, NM_001363351.1); short protein forms K224R, K905R, K923R.
Identifiers: ClinVar variation 2635186 (VCV002635186.1), dbSNP rs998757505, ClinGen allele CA164959452.

ClinVar aggregate classification (germline): Uncertain significance (1 of 4 stars; one submission).

Conditions:
CTTNBP2-related disorder. Also called: CTTNBP2-related condition.

Allele frequency attached by ClinVar (database versions not stated): gnomAD exomes below 0.00001; TOPMed 0.00004; gnomAD 0.00005.
gnomAD v4.1: 9 of 1,612,820 alleles (0.00056%); highest among the groups gnomAD compares: African/African-American, 0.0094%; no homozygotes.

Submission:

PreventionGenetics, part of Exact Sciences
Classification: Uncertain significance for CTTNBP2-related condition. Last evaluated: 2022-12-08. Review status: criteria provided, single submitter. Criteria: ACMG Guidelines, 2015. Collection method: clinical testing. Allele origin: germline.
Comment: The CTTNBP2 c.2768A>G variant is predicted to result in the amino acid substitution p.Lys923Arg. To our knowledge, this variant has not been reported in the literature. This variant is reported in 0.011% of alleles in individuals of African descent in gnomAD. At this time, the clinical significance of this variant is uncertain due to the absence of conclusive functional and genetic evidence.